The following is an entry in ClinVar:

NM_001276270.2(MBD4):c.849G>C (p.Gln283His)

Gene: MBD4 (methyl-CpG binding domain 4, DNA glycosylase; minus strand). Cytogenetic location: 3q21.3.
Variant type: single nucleotide variant.
Coding change: c.849G>C on transcript NM_001276270.2 (MANE Select); coding-DNA position 849, G replaced by C.
Protein change: p.Gln283His; replaces glutamine 283 with histidine.
Molecular consequence: missense variant. On other transcripts: intron variant (1).
Genome position (GRCh38, 1-based): chr3:129,436,795, C>G on the plus strand (G>C on the coding strand, the complement: MBD4 is on the minus strand). VCF-style: chr3-129436795-C-G. GRCh37 (hg19) VCF-style: chr3-129155638-C-G.
Other names: c.849G>C, p.Gln283His (NM_001276271.2, NM_001276272.2, NM_003925.3); c.247+1013G>C (NM_001276273.2); short protein forms Q283H.
Identifiers: ClinVar variation 4718372 (VCV004718372.1).

ClinVar aggregate classification (germline): Uncertain significance (1 of 4 stars; one submission).

Submission:

Labcorp Genetics (formerly Invitae), Labcorp
Classification: Uncertain significance. Last evaluated: 2025-04-27. Review status: criteria provided, single submitter. Criteria: Invitae Variant Classification Sherloc (09022015). Collection method: clinical testing. Allele origin: germline.
Comment: This sequence change replaces glutamine, which is neutral and polar, with histidine, which is basic and polar, at codon 283 of the MBD4 protein (p.Gln283His). This variant is not present in population databases (gnomAD no frequency). This variant has not been reported in the literature in individuals affected with MBD4-related conditions. An algorithm developed to predict the effect of missense changes on protein structure and function outputs the following: PolyPhen-2: "Benign". The histidine amino acid residue is found in multiple mammalian species, which suggests that this missense change does not adversely affect protein function. In summary, the available evidence is currently insufficient to determine the role of this variant in disease. Therefore, it has been classified as a Variant of Uncertain Significance.